The following is an entry in ClinVar:

NM_022915.5(MRPL44):c.179+301T>C

Gene: MRPL44 (mitochondrial ribosomal protein L44; plus strand). Cytogenetic location: 2q36.1.
Variant type: single nucleotide variant.
Coding change: c.179+301T>C on transcript NM_022915.5 (MANE Select); 301 bases into the intron after coding-DNA position 179, T replaced by C.
Molecular consequence: intron variant.
Genome position (GRCh38, 1-based): chr2:223,957,952, T>C. VCF-style: chr2-223957952-T-C. GRCh37 (hg19) VCF-style: chr2-224822669-T-C.
Identifiers: ClinVar variation 682628 (VCV000682628.1), dbSNP rs1347818, ClinGen allele CA11172919.
Genomic context (GRCh38, chr2:223,957,952, plus strand): 5'-AAAATTGGGAGAAATGGGGCTAACTGGAGGGTCTTCCTTATGTGGACTTGGATGTTGTAG[T>C]CCCCGTTTGTAATGCCTGAGAATTCCGATAAGCGGGAAGAAAGCAGCCCACAGCATCGTA-3'

ClinVar aggregate classification (germline): Benign (1 of 4 stars; one submission).

Allele frequency attached by ClinVar (database versions not stated): 1000 Genomes Project 0.42292; 1000 Genomes Project 30x 0.42598; gnomAD 0.44808 and 0.45166; TOPMed 0.44903.
gnomAD v4.1: 67,980 of 151,894 alleles (45%); highest among the groups gnomAD compares: African/African-American, 49%; 15,274 homozygotes.

Submission:

GeneDx
Classification: Benign. Last evaluated: 2018-06-14. Review status: criteria provided, single submitter. Criteria: GeneDx Variant Classification (06012015). Collection method: clinical testing. Allele origin: germline. Affected: yes.
Comment: This variant is considered likely benign or benign based on one or more of the following criteria: it is a conservative change, it occurs at a poorly conserved position in the protein, it is predicted to be benign by multiple in silico algorithms, and/or has population frequency not consistent with disease.